The following is an entry in ClinVar:

NM_001365951.3(KIF1B):c.1036A>T (p.Arg346Ter)

Gene: KIF1B (kinesin family member 1B; plus strand). Cytogenetic location: 1p36.22.
Variant type: single nucleotide variant.
Coding change: c.1036A>T on transcript NM_001365951.3 (MANE Select); coding-DNA position 1036, A replaced by T.
Protein change: p.Arg346Ter; replaces arginine 346 with a stop codon.
Molecular consequence: nonsense.
Genome position (GRCh38, 1-based): chr1:10,276,398, A>T. VCF-style: chr1-10276398-A-T. GRCh37 (hg19) VCF-style: chr1-10336456-A-T.
Other names: c.1036A>T, p.Arg346Ter (NM_001365952.1); c.1018A>T, p.Arg340Ter (NM_001365953.1, NM_015074.3, NM_183416.4); short protein forms R340*, R346*.
Identifiers: ClinVar variation 4526336 (VCV004526336.1).

ClinVar aggregate classification (germline): Pathogenic (1 of 4 stars; one submission).

Conditions:
Charcot-Marie-Tooth disease type 2A1. Also called: CHARCOT-MARIE-TOOTH DISEASE, AXONAL, TYPE 2A1; CHARCOT-MARIE-TOOTH DISEASE, AXONAL, AUTOSOMAL DOMINANT, TYPE 2A1; CHARCOT-MARIE-TOOTH DISEASE, NEURONAL, TYPE 2A1; CHARCOT-MARIE-TOOTH NEUROPATHY, TYPE 2A1; HEREDITARY MOTOR AND SENSORY NEUROPATHY IIA1. Identifiers: Orphanet 99946, MedGen C1861678, MONDO:0007308, OMIM 118210.

Submission:

Institute of Human Genetics, FAU Erlangen, Friedrich-Alexander-Universität Erlangen-Nürnberg
Classification: Pathogenic for Charcot-Marie-Tooth disease type 2A1. Last evaluated: 2025-10-29. Review status: criteria provided, single submitter. Criteria: Hauer et al. (Genet Med. 2018). Collection method: clinical testing. Allele origin: germline. Inheritance: Autosomal dominant inheritance. Affected: yes. Observed: 1 variant allele.
Comment: This variant has been identified by standard clinical testing. Selected ACMG criteria: Pathogenic (I):PM2;PS2;PVS1